The following is an entry in ClinVar:

ClinVar aggregate classification (germline): Benign. Review status: criteria provided, multiple submitters, no conflicts (2 of 4 stars). 10 submissions from 7 submitters: Benign (9). 1 of the submissions does not count toward it. Last evaluated 2026-02-04.

Conditions:
Corticosterone 18-monooxygenase deficiency. Also called: ALDOSTERONE DEFICIENCY DUE TO DEFECT IN STEROID 18-HYDROXYLASE; ALDOSTERONE DEFICIENCY I; CMO I DEFICIENCY; STEROID 18-HYDROXYLASE DEFICIENCY; 18 Hydroxylase deficiency; Aldosterone deficiency due to defect in 18 hydroxylase. Identifiers: Orphanet 427, MedGen C0268293, MONDO:0008751, OMIM 203400. Disease mechanism: loss of function.
Corticosterone methyloxidase type 2 deficiency. Also called: 18-OXIDASE DEFICIENCY; ALDOSTERONE DEFICIENCY DUE TO DEFICIENCY OF STEROID 18-OXIDASE; ALDOSTERONE DEFICIENCY II; CMO II DEFICIENCY; STEROID 18-OXIDASE DEFICIENCY. Identifiers: Orphanet 427, MedGen C3463917, MONDO:0012524, OMIM 610600. Disease mechanism: loss of function.
Glucocorticoid-remediable aldosteronism. Also called: Hyperaldosteronism, familial, type I; ACTH-DEPENDENT HYPERALDOSTERONISM SYNDROME; ALDOSTERONISM, SENSITIVE TO DEXAMETHASONE; FH I; GLUCOCORTICOID-SUPPRESSIBLE HYPERALDOSTERONISM. Identifiers: Orphanet 403, MedGen C3838731, MONDO:0007080, OMIM 103900.
Corticosterone methyl oxidase type II deficiency.

Allele frequency attached by ClinVar (database versions not stated): ESP Exome Variant Server 0.02237; gnomAD exomes 0.04469 and 0.09185; gnomAD 0.04485 and 0.05444; TOPMed 0.05610; ExAC 0.08714; 1000 Genomes Project 30x 0.15162; 1000 Genomes Project 0.16254.
gnomAD v4.1: 74,445 of 1,614,188 alleles (4.6%); highest among the groups gnomAD compares: East Asian, 50%; 8,072 homozygotes.

Submissions (10):

Labcorp Genetics (formerly Invitae), Labcorp
Classification: Benign. Last evaluated: 2026-02-04. Review status: criteria provided, single submitter. Criteria: Invitae Variant Classification Sherloc (09022015). Collection method: clinical testing. Allele origin: germline.

Mayo Clinic Laboratories, Mayo Clinic
Classification: Benign. Last evaluated: 2022-11-14. Review status: criteria provided, single submitter. Criteria: ACMG Guidelines, 2015. Collection method: clinical testing. Allele origin: germline. Observed: 13 variant alleles.
Comment: BA1, BP4

Genome-Nilou Lab
Classification: Benign for Corticosterone 18-monooxygenase deficiency. Last evaluated: 2021-07-01. Review status: criteria provided, single submitter. Criteria: ACMG Guidelines, 2015. Collection method: clinical testing. Allele origin: germline. Affected: no.

Genome-Nilou Lab
Classification: Benign for Corticosterone methyloxidase type 2 deficiency. Last evaluated: 2021-07-01. Review status: criteria provided, single submitter. Criteria: ACMG Guidelines, 2015. Collection method: clinical testing. Allele origin: germline. Affected: no.

Illumina Laboratory Services, Illumina
Classification: Benign for Corticosterone methyloxidase type 2 deficiency. Last evaluated: 2018-03-06. Review status: criteria provided, single submitter. Criteria: ICSL Variant Classification Criteria 13 December 2019. Collection method: clinical testing. Allele origin: germline.
Comment: This variant was observed in the ICSL laboratory as part of a predisposition screen in an ostensibly healthy population. It had not been previously curated by ICSL or reported in the Human Gene Mutation Database (HGMD: prior to June 1st, 2018), and was therefore a candidate for classification through an automated scoring system. Utilizing variant allele frequency, disease prevalence and penetrance estimates, and inheritance mode, an automated score was calculated to assess if this variant is too frequent to cause the disease. Based on the score and internal cut-off values, a variant classified as benign is not then subjected to further curation. The score for this variant resulted in a classification of benign for this disease.

Illumina Laboratory Services, Illumina
Classification: Benign for Corticosterone 18-monooxygenase deficiency. Last evaluated: 2018-03-06. Review status: criteria provided, single submitter. Criteria: ICSL Variant Classification Criteria 13 December 2019. Collection method: clinical testing. Allele origin: germline.
Comment: the same text as in the submission from Illumina Laboratory Services, Illumina above.

Illumina Laboratory Services, Illumina
Classification: Benign for Hyperaldosteronism, familial, type I. Last evaluated: 2018-03-06. Review status: criteria provided, single submitter. Criteria: ICSL Variant Classification Criteria 13 December 2019. Collection method: clinical testing. Allele origin: germline.
Comment: the same text as in the submission from Illumina Laboratory Services, Illumina above.

Laboratory for Molecular Medicine, Mass General Brigham Personalized Medicine
Classification: Benign. Last evaluated: 2016-03-28. Review status: criteria provided, single submitter. Criteria: LMM Criteria. Collection method: clinical testing. Allele origin: germline.
Comment: Variant identified in a genome or exome case(s) and assessed due to predicted null impact of the variant or pathogenic assertions in the literature or databases. Disclaimer: This variant has not undergone full assessment. The following are preliminary notes: Frequency in ESP (all): 291/13006=2.28%

Breakthrough Genomics
Classification: Benign. Review status: criteria provided, single submitter. Criteria: ACMG Guidelines, 2015. Collection method: not provided. Allele origin: germline. Inheritance: Autosomal recessive inheritance. Affected: yes.

Natera, Inc.
Classification: Benign for Corticosterone methyl oxidase type II deficiency. Last evaluated: 2020-09-16. Review status: no assertion criteria provided. Collection method: clinical testing. Allele origin: germline. Not counted in ClinVar's aggregate classification.

NM_000498.3(CYP11B2):c.1303G>A (p.Gly435Ser)

Genes: CYP11B2 (cytochrome P450 family 11 subfamily B member 2; minus strand), LOC106799834 (CYP11B2 recombination region; plus strand). Cytogenetic location: 8q24.3.
Variant type: single nucleotide variant.
Coding change: c.1303G>A on transcript NM_000498.3 (MANE Select); coding-DNA position 1303, G replaced by A.
Protein change: p.Gly435Ser; replaces glycine 435 with serine.
Molecular consequence: missense variant.
Genome position (GRCh38, 1-based): chr8:142,912,625, C>T on the plus strand (G>A on the coding strand, the complement: CYP11B2 is on the minus strand). VCF-style: chr8-142912625-C-T. GRCh37 (hg19) VCF-style: chr8-143994041-C-T.
Other names: short protein forms G435S.
Identifiers: ClinVar variation 362192 (VCV000362192.22), dbSNP rs4545, ClinGen allele CA4905846.